The following is an entry in ClinVar:

NM_007259.5(VPS45):c.1173T>G (p.Tyr391Ter)

Gene: VPS45 (vacuolar protein sorting 45 homolog; plus strand). Cytogenetic location: 1q21.2.
Variant type: single nucleotide variant.
Coding change: c.1173T>G on transcript NM_007259.5 (MANE Select); coding-DNA position 1173, T replaced by G.
Protein change: p.Tyr391Ter; replaces tyrosine 391 with a stop codon.
Molecular consequence: nonsense. On other transcripts: non-coding transcript variant (1).
Genome position (GRCh38, 1-based): chr1:150,092,005, T>G. VCF-style: chr1-150092005-T-G. GRCh37 (hg19) VCF-style: chr1-150064099-T-G.
Other names: c.858T>G, p.Tyr286Ter (NM_001279353.2); c.1065T>G, p.Tyr355Ter (NM_001279354.2); short protein forms Y286*, Y355*, Y391*.
Identifiers: ClinVar variation 4815523 (VCV004815523.1).
Genomic context (GRCh38, chr1:150,092,005, plus strand): 5'-AAGGCTTCTGCAGAACCCCAAAGTGACAGAGTTTGATGCTGCCCGCCTGGTGATGCTTTA[T>G]GCTTTACATTATGAGCGACACAGCAGCAATAGCCTGCCAGGACTAATGATGGACCTCAGG-3'

ClinVar aggregate classification (germline): Likely pathogenic (1 of 4 stars; one submission).

Conditions:
Congenital neutropenia-myelofibrosis-nephromegaly syndrome. Also called: Severe congenital neutropenia 5, autosomal recessive. Identifiers: Orphanet 369852, MedGen C3809031, MONDO:0014118, OMIM 615285.

Submission:

Natera, Inc.
Classification: Likely pathogenic for Autosomal recessive severe congenital neutropenia 5. Last evaluated: 2024-11-27. Review status: criteria provided, single submitter. Criteria: Natera Variant Classification Schema (03/2026). Collection method: clinical testing. Allele origin: germline.
Comment: The c.1173T>G variant in VPS45 is a nonsense variant predicted to introduce a stop codon at amino acid 391. This variant is expected to result in nonsense mediated decay, truncation, or a dysfunctional protein product. This variant is rare in the general population with a frequency below the threshold expected for the associated phenotype(s). Given the available evidence, this variant is classified as Likely Pathogenic.